The following is an entry in ClinVar:

NM_000159.4(GCDH):c.152dup (p.Asp52fs)

Genes: GCDH (glutaryl-CoA dehydrogenase; plus strand), LOC117125594 (CRISPRi-FlowFISH-validated KLF1 regulatory element; plus strand). Cytogenetic location: 19p13.13.
Variant type: Duplication.
Coding change: c.152dup on transcript NM_000159.4 (MANE Select); coding-DNA position 152, one base duplicated (A; older notation c.152dupA).
Protein change: p.Asp52fs; shifts the reading frame from aspartic acid 52.
Molecular consequence: frameshift variant. On other transcripts: non-coding transcript variant (2).
Genome position (GRCh38, 1-based): chr19:12,891,855, A duplicated. VCF-style (leftmost placement, unchanged base first): chr19-12891854-C-CA. GRCh37 (hg19) VCF-style: chr19-13002668-C-CA.
Other names: c.152dup, p.Asp52fs (NM_013976.5); short protein forms D52fs.
Identifiers: ClinVar variation 4817842 (VCV004817842.1).

ClinVar aggregate classification (germline): Pathogenic (1 of 4 stars; one submission).

Conditions:
Glutaric aciduria, type 1. Also called: Glutaric Acidemia Type 1; Glutaryl-CoA dehydrogenase deficiency; Glutaric acidemia type I; GA I; Glutaricacidemia Type 1; Glutaricaciduria, type I. Identifiers: Orphanet 25, MedGen C0268595, MONDO:0009281, OMIM 231670.

Submission:

Natera, Inc.
Classification: Pathogenic for Glutaric acidemia type 1. Last evaluated: 2025-11-26. Review status: criteria provided, single submitter. Criteria: Natera Variant Classification Schema (03/2026). Collection method: clinical testing. Allele origin: germline.
Comment: The c.152dup variant in GCDH is a frameshift variant predicted to shift the reading frame beginning at codon 52 and leads to a stop codon 13 codons downstream. This variant is expected to result in nonsense mediated decay, truncation, or a dysfunctional protein product. This variant is rare in the general population with a frequency below the threshold expected for the associated phenotype(s). This variant has been observed in one or more individuals affected with the associated recessive disease, as either homozygous or compound heterozygous with a second variant (PMID: 26071121). Given the available evidence, this variant is classified as Pathogenic.

Literature cited by the submitters: PubMed 26071121.